The following is an entry in ClinVar:

ClinVar aggregate classification (germline): Likely benign. Review status: criteria provided, single submitter (1 of 4 stars). 2 submissions from 2 submitters: Likely benign (1). 1 of the submissions does not count toward it. Last evaluated 2018-01-13.

Conditions:
Dihydropyrimidine dehydrogenase deficiency (DPYDD). Also called: DPD DEFICIENCY; DPYD DEFICIENCY; Hereditary Thymine-Uraciluria. Identifiers: Orphanet 1675, MedGen C1959620, MONDO:0010130, OMIM 274270.

Allele frequency attached by ClinVar (database versions not stated): 1000 Genomes Project 30x 0.00984; 1000 Genomes Project 0.01038; TOPMed 0.01875; gnomAD 0.02631 and 0.02724.

Submissions (2):

Illumina Laboratory Services, Illumina
Classification: Likely benign for Dihydropyrimidine dehydrogenase deficiency. Last evaluated: 2018-01-13. Review status: criteria provided, single submitter. Criteria: ICSL Variant Classification Criteria 13 December 2019. Collection method: clinical testing. Allele origin: germline.
Comment: This variant was observed in the ICSL laboratory as part of a predisposition screen in an ostensibly healthy population. It had not been previously curated by ICSL or reported in the Human Gene Mutation Database (HGMD: prior to June 1st, 2018), and was therefore a candidate for classification through an automated scoring system. Utilizing variant allele frequency, disease prevalence and penetrance estimates, and inheritance mode, an automated score was calculated to assess if this variant is too frequent to cause the disease. Based on the score and internal cut-off values, a variant classified as likely benign is not then subjected to further curation. The score for this variant resulted in a classification of likely benign for this disease.

Diasio Lab,  Mayo Clinic
No classification provided. Review status: no classification provided. Collection method: not provided. Allele origin: unknown. Not counted in ClinVar's aggregate classification.

NM_000110.4(DPYD):c.*900T>C

Gene: DPYD (dihydropyrimidine dehydrogenase; minus strand). Cytogenetic location: 1p21.3.
Variant type: single nucleotide variant.
Coding change: c.*900T>C on transcript NM_000110.4 (MANE Select); 900 bases downstream of the stop codon, T replaced by C.
Molecular consequence: 3 prime UTR variant.
Genome position (GRCh38, 1-based): chr1:97,078,076, A>G on the plus strand (T>C on the coding strand, the complement: DPYD is on the minus strand). VCF-style: chr1-97078076-A-G. GRCh37 (hg19) VCF-style: chr1-97543632-A-G.
Identifiers: ClinVar variation 100063 (VCV000100063.5), dbSNP rs17470762, ClinGen allele CA228065.